The following is an entry in ClinVar:

ClinVar aggregate classification (germline): Likely benign. Review status: criteria provided, multiple submitters, no conflicts (2 of 4 stars). 5 submissions from 5 submitters: Likely benign (5). Last evaluated 2025-11-06.

Conditions:
Hereditary breast ovarian cancer syndrome. Also called: Hereditary breast and ovarian cancer syndrome; Breast and ovarian cancer; BRCA1- and BRCA2-Associated Hereditary Breast and Ovarian Cancer; Hereditary breast and ovarian cancer syndrome (HBOC); Hereditary breast and/or ovarian cancer syndrome; Hereditary breast and ovarian cancer. Identifiers: Orphanet 145, MedGen C0677776, MeSH D061325, MONDO:0003582. Disease mechanism: loss of function.
Hereditary cancer-predisposing syndrome. Also called: Hereditary neoplastic syndrome; Hereditary Cancer Syndrome; Neoplastic Syndromes, Hereditary; Tumor predisposition. Identifiers: Orphanet 140162, MedGen C0027672, MeSH D009386, MONDO:0015356.

Allele frequency attached by ClinVar (database versions not stated): gnomAD exomes below 0.00001; ExAC 0.00001.
gnomAD v4.1: 2 of 1,611,102 alleles (0.00012%); highest among the groups gnomAD compares: Non-Finnish European, 0.00017%; no homozygotes.

Submissions (5):

Women's Health and Genetics/Laboratory Corporation of America, LabCorp
Classification: Likely benign. Last evaluated: 2025-11-06. Review status: criteria provided, single submitter. Criteria: LabCorp Variant Classification Summary - May 2015. Collection method: clinical testing. Allele origin: germline.
Comment: Variant summary: BRCA2 c.7620G>A (p.Leu2540Leu) alters a conserved nucleotide located close to a canonical splice site and therefore could affect mRNA splicing, leading to a significantly altered protein sequence. Consensus agreement among computation tools predict no significant impact on normal splicing. However, these predictions have yet to be confirmed by functional studies. The variant allele was found at a frequency of 4e-06 in 250612 control chromosomes. The available data on variant occurrences in the general population are insufficient to allow any conclusion about variant significance. ClinVar contains an entry for this variant (Variation ID: 510025). Based on the evidence outlined above, the variant was classified as likely benign.

Labcorp Genetics (formerly Invitae), Labcorp
Classification: Likely benign for Hereditary breast ovarian cancer syndrome. Last evaluated: 2023-06-15. Review status: criteria provided, single submitter. Criteria: Invitae Variant Classification Sherloc (09022015). Collection method: clinical testing. Allele origin: germline.

Ambry Genetics
Classification: Likely benign for Hereditary cancer-predisposing syndrome. Last evaluated: 2019-02-01. Review status: criteria provided, single submitter. Criteria: Ambry Variant Classification Scheme 2023. Collection method: clinical testing. Allele origin: germline.

Quest Diagnostics Nichols Institute San Juan Capistrano
Classification: Likely benign. Last evaluated: 2018-10-17. Review status: criteria provided, single submitter. Criteria: Quest Diagnostics criteria. Collection method: clinical testing. Allele origin: germline.

GeneDx
Classification: Likely benign. Last evaluated: 2017-05-31. Review status: criteria provided, single submitter. Criteria: GeneDx Variant Classification (06012015). Collection method: clinical testing. Allele origin: germline. Affected: yes.
Comment: This variant is considered likely benign or benign based on one or more of the following criteria: it is a conservative change, it occurs at a poorly conserved position in the protein, it is predicted to be benign by multiple in silico algorithms, and/or has population frequency not consistent with disease.

NM_000059.4(BRCA2):c.7620G>A (p.Leu2540=)

Gene: BRCA2 (BRCA2 DNA repair associated; plus strand). Cytogenetic location: 13q13.1.
Variant type: single nucleotide variant.
Coding change: c.7620G>A on transcript NM_000059.4 (MANE Select); coding-DNA position 7620, G replaced by A.
Protein change: p.Leu2540=; no amino-acid change (leucine 2540 retained).
Molecular consequence: synonymous variant.
Genome position (GRCh38, 1-based): chr13:32,357,744, G>A. VCF-style: chr13-32357744-G-A. GRCh37 (hg19) VCF-style: chr13-32931881-G-A.
Identifiers: ClinVar variation 510025 (VCV000510025.17), dbSNP rs779377781, ClinGen allele CA6941123.